The following is an entry in ClinVar:

ClinVar aggregate classification (germline): Likely pathogenic (1 of 4 stars; one submission).

Submission:

Labcorp Genetics (formerly Invitae), Labcorp
Classification: Likely pathogenic. Last evaluated: 2023-01-17. Review status: criteria provided, single submitter. Criteria: Invitae Variant Classification Sherloc (09022015). Collection method: clinical testing. Allele origin: germline.
Comment: This variant disrupts the p.Gly1383 amino acid residue in ABCC8. Other variant(s) that disrupt this residue have been determined to be pathogenic (PMID: 21536946). This suggests that this residue is clinically significant, and that variants that disrupt this residue are likely to be disease-causing. In summary, the currently available evidence indicates that the variant is pathogenic, but additional data are needed to prove that conclusively. Therefore, this variant has been classified as Likely Pathogenic. Advanced modeling of protein sequence and biophysical properties (such as structural, functional, and spatial information, amino acid conservation, physicochemical variation, residue mobility, and thermodynamic stability) performed at Invitae indicates that this missense variant is expected to disrupt ABCC8 protein function. This sequence change replaces glycine, which is neutral and non-polar, with arginine, which is basic and polar, at codon 1383 of the ABCC8 protein (p.Gly1383Arg). This variant is not present in population databases (gnomAD no frequency). This missense change has been observed in individual(s) with autosomal recessive congenital hyperinsulinism (PMID: 20685672, 23275527). This variant is also known as p.Gly1384Arg.

Literature cited by the submitters: PubMed 21536946; PubMed 20685672; PubMed 23275527.

NM_000352.6(ABCC8):c.4147G>C (p.Gly1383Arg)

Gene: ABCC8 (ATP binding cassette subfamily C member 8; minus strand). Cytogenetic location: 11p15.1.
Variant type: single nucleotide variant.
Coding change: c.4147G>C on transcript NM_000352.6 (MANE Select); coding-DNA position 4147, G replaced by C.
Protein change: p.Gly1383Arg; replaces glycine 1383 with arginine.
Molecular consequence: missense variant. On other transcripts: non-coding transcript variant (1).
Genome position (GRCh38, 1-based): chr11:17,395,903, C>G on the plus strand (G>C on the coding strand, the complement: ABCC8 is on the minus strand). VCF-style: chr11-17395903-C-G. GRCh37 (hg19) VCF-style: chr11-17417450-C-G.
Other names: c.4150G>C, p.Gly1384Arg (NM_001287174.3); c.4213G>C, p.Gly1405Arg (NM_001351295.2); c.4147G>C, p.Gly1383Arg (NM_001351296.2); c.4144G>C, p.Gly1382Arg (NM_001351297.2); short protein forms G1384R, G1405R, G1382R, G1383R.
Identifiers: ClinVar variation 2829734 (VCV002829734.3), dbSNP rs748233295, ClinGen allele CA379788258.
Genomic context (GRCh38, chr11:17,395,903, plus strand): 5'-ACAACTCACCTTCGAACGTGTCCACCATGCGGAAGAAGGCAAGAGAGAAGGAGGACTTCC[C>G]ACTGCCGGTGCGGCCGCAGATCCCGATCTGGAAAGAGAGAAGCAGGCACCGCCACTGGGA-3'
Protein context (NP_000343.2, residues 1373-1393): KIGICGRTGS[Gly1383Arg]KSSFSLAFFR